The following is an entry in ClinVar:

NM_020066.5(FMN2):c.3315G>A (p.Val1105=)

Gene: FMN2 (formin 2; plus strand). Cytogenetic location: 1q43.
Variant type: single nucleotide variant.
Coding change: c.3315G>A on transcript NM_020066.5 (MANE Select); coding-DNA position 3315, G replaced by A.
Protein change: p.Val1105=; no amino-acid change (valine 1105 retained).
Molecular consequence: synonymous variant. On other transcripts: intron variant (1).
Genome position (GRCh38, 1-based): chr1:240,208,127, G>A. VCF-style: chr1-240208127-G-A. GRCh37 (hg19) VCF-style: chr1-240371427-G-A.
Other names: c.1986+19865G>A (NM_001348094.2); c.3327G>A, p.Val1109= (NM_001305424.2).
Identifiers: ClinVar variation 2640182 (VCV002640182.24), dbSNP rs2527050349, ClinGen allele CA424385668.

ClinVar aggregate classification (germline): Likely benign (1 of 4 stars; one submission).

Submission:

CeGaT Center for Human Genetics Tuebingen
Classification: Likely benign. Last evaluated: 2022-11-01. Review status: criteria provided, single submitter. Criteria: CeGaT Center For Human Genetics Tuebingen Variant Classification Criteria Version 2. Collection method: clinical testing. Allele origin: germline. Affected: yes. Observed: 1 variant allele.
Comment: FMN2: PM2:Supporting, BP4, BP7